The following is an entry in ClinVar:

ClinVar aggregate classification (germline): Uncertain significance (1 of 4 stars; one submission).

Conditions:
Disseminated atypical mycobacterial infection. Identifiers: MedGen C0694566.

Allele frequency attached by ClinVar (database versions not stated): gnomAD 0.00001; gnomAD exomes 0.00001.
gnomAD v4.1: 16 of 1,613,850 alleles (0.00099%); highest among the groups gnomAD compares: Non-Finnish European, 0.0014%; no homozygotes.

Submission:

Labcorp Genetics (formerly Invitae), Labcorp
Classification: Uncertain significance for Disseminated atypical mycobacterial infection. Last evaluated: 2025-06-29. Review status: criteria provided, single submitter. Criteria: Invitae Variant Classification Sherloc (09022015). Collection method: clinical testing. Allele origin: germline.
Comment: This sequence change replaces aspartic acid, which is acidic and polar, with glutamic acid, which is acidic and polar, at codon 162 of the IFNGR1 protein (p.Asp162Glu). This variant is not present in population databases (gnomAD no frequency). This variant has not been reported in the literature in individuals affected with IFNGR1-related conditions. ClinVar contains an entry for this variant (Variation ID: 2794808). Invitae Evidence Modeling of protein sequence and biophysical properties (such as structural, functional, and spatial information, amino acid conservation, physicochemical variation, residue mobility, and thermodynamic stability) indicates that this missense variant is not expected to disrupt IFNGR1 protein function with a negative predictive value of 80%. In summary, the available evidence is currently insufficient to determine the role of this variant in disease. Therefore, it has been classified as a Variant of Uncertain Significance.

NM_000416.3(IFNGR1):c.486T>A (p.Asp162Glu)

Gene: IFNGR1 (interferon gamma receptor 1; minus strand). Cytogenetic location: 6q23.3.
Variant type: single nucleotide variant.
Coding change: c.486T>A on transcript NM_000416.3 (MANE Select); coding-DNA position 486, T replaced by A.
Protein change: p.Asp162Glu; replaces aspartic acid 162 with glutamic acid.
Molecular consequence: missense variant.
Genome position (GRCh38, 1-based): chr6:137,204,392, A>T on the plus strand (T>A on the coding strand, the complement: IFNGR1 is on the minus strand). VCF-style: chr6-137204392-A-T. GRCh37 (hg19) VCF-style: chr6-137525529-A-T.
Other names: c.456T>A, p.Asp152Glu (NM_001363526.1); c.363T>A, p.Asp121Glu (NM_001363527.1); short protein forms D121E, D152E, D162E.
Identifiers: ClinVar variation 2794808 (VCV002794808.3), dbSNP rs1364914247, ClinGen allele CA365775315.